The following is an entry in ClinVar:

NM_005559.4(LAMA1):c.2574G>A (p.Ser858=)

Gene: LAMA1 (laminin subunit alpha 1; minus strand). Cytogenetic location: 18p11.31.
Variant type: single nucleotide variant.
Coding change: c.2574G>A on transcript NM_005559.4 (MANE Select); coding-DNA position 2574, G replaced by A.
Protein change: p.Ser858=; no amino-acid change (serine 858 retained).
Molecular consequence: synonymous variant.
Genome position (GRCh38, 1-based): chr18:7,023,291, C>T on the plus strand (G>A on the coding strand, the complement: LAMA1 is on the minus strand). VCF-style: chr18-7023291-C-T. GRCh37 (hg19) VCF-style: chr18-7023290-C-T.
Identifiers: ClinVar variation 4938030 (VCV004938030.2).

ClinVar aggregate classification (germline): Likely benign. Review status: criteria provided, multiple submitters, no conflicts (2 of 4 stars). 2 submissions from 2 submitters: Likely benign (2). Last evaluated 2026-09-01.

gnomAD v4.1: 26 of 1,614,032 alleles (0.0016%); highest among the groups gnomAD compares: East Asian, 0.033%; no homozygotes.

Submissions (2):

CeGaT Center for Human Genetics Tuebingen
Classification: Likely benign. Last evaluated: 2026-09-01. Review status: criteria provided, single submitter. Criteria: CeGaT Center For Human Genetics Tuebingen Variant Classification Criteria Version 2. Collection method: clinical testing. Allele origin: germline. Affected: yes. Observed: 1 variant allele.
Comment: LAMA1: BP4, BP7

Blueprint Genetics
Classification: Likely benign. Last evaluated: 2024-09-04. Review status: criteria provided, single submitter. Criteria: ACMG Guidelines, 2015. Collection method: clinical testing. Allele origin: germline.